The following is an entry in ClinVar:

NM_006612.6(KIF1C):c.815A>G (p.Asn272Ser)

Genes: KIF1C (kinesin family member 1C; plus strand), LOC126862472 (CDK7 strongly-dependent group 2 enhancer GRCh37_chr17:4906716-4907915; plus strand). Cytogenetic location: 17p13.2.
Variant type: single nucleotide variant.
Coding change: c.815A>G on transcript NM_006612.6 (MANE Select); coding-DNA position 815, A replaced by G.
Protein change: p.Asn272Ser; replaces asparagine 272 with serine.
Molecular consequence: missense variant.
Genome position (GRCh38, 1-based): chr17:5,003,867, A>G. VCF-style: chr17-5003867-A-G. GRCh37 (hg19) VCF-style: chr17-4907162-A-G.
Other names: short protein forms N272S.
Identifiers: ClinVar variation 2629925 (VCV002629925.2), dbSNP rs939497458, ClinGen allele CA287213670.
Genomic context (GRCh38, chr17:5,003,867, plus strand): 5'-TGGGAGAAGAGGGTCTCATCCCCACATTCCTCATCCTTTTCCAGGAAGGAGCCAACATCA[A>G]TAAGTCCCTGACTACACTAGGGAAAGTGATCTCGGCCCTTGCAGATATGGTGAGACCTGG-3'
Protein context (NP_006603.2, residues 262-282): GMRLKEGANI[Asn272Ser]KSLTTLGKVI

ClinVar aggregate classification (germline): Uncertain significance (1 of 4 stars; one submission).

Conditions:
KIF1C-related disorder. Also called: KIF1C-related condition.

Allele frequency attached by ClinVar (database versions not stated): gnomAD exomes below 0.00001; TOPMed below 0.00001; gnomAD 0.00001.

Submission:

PreventionGenetics, part of Exact Sciences
Classification: Uncertain significance for KIF1C-related condition. Last evaluated: 2025-04-10. Review status: criteria provided, single submitter. Criteria: ACMG Guidelines, 2015. Collection method: clinical testing. Allele origin: germline.
Comment: The KIF1C c.815A>G variant is predicted to result in the amino acid substitution p.Asn272Ser. To our knowledge, this variant has not been reported in the literature. This variant is reported in 0.0099% of alleles in individuals of Ashkenazi Jewish descent in gnomAD. At this time, the clinical significance of this variant is uncertain due to the absence of conclusive functional and genetic evidence.